The following is an entry in ClinVar:

ClinVar aggregate classification (germline): Likely pathogenic (1 of 4 stars; one submission).

Conditions:
MPI-congenital disorder of glycosylation. Also called: CONGENITAL DISORDER OF GLYCOSYLATION, TYPE Ib; CDG Ib; MANNOSEPHOSPHATE ISOMERASE DEFICIENCY; PROTEIN-LOSING ENTEROPATHY-HEPATIC FIBROSIS SYNDROME; MPI-CDG; MPI DEFICIENCY. Identifiers: Orphanet 79319, MedGen C1865145, MONDO:0011257, OMIM 602579.

Submission:

Natera, Inc.
Classification: Likely pathogenic for Congenital disorder of glycosylation type 1b. Last evaluated: 2024-07-15. Review status: criteria provided, single submitter. Criteria: Natera Variant Classification Schema (03/2026). Collection method: clinical testing. Allele origin: germline.
Comment: The c.878_879delCA variant in MPI is a frameshift variant predicted to shift the reading frame beginning at codon 293 and leads to a stop codon 11 codons downstream. This variant is expected to result in nonsense mediated decay, truncation, or a dysfunctional protein product. This variant is rare in the general population with a frequency below the threshold expected for the associated phenotype(s). Given the available evidence, this variant is classified as Likely Pathogenic.

NM_002435.3(MPI):c.878_879del (p.Thr293fs)

Gene: MPI (mannose phosphate isomerase; plus strand). Cytogenetic location: 15q24.1.
Variant type: Microsatellite.
Coding change: c.878_879del on transcript NM_002435.3 (MANE Select); coding-DNA positions 878 to 879, 2 bases deleted (CA; older notation c.878_879delCA).
Protein change: p.Thr293fs; shifts the reading frame from threonine 293.
Molecular consequence: frameshift variant. On other transcripts: intron variant (1).
Genome position (GRCh38, 1-based): chr15:74,897,044-74,897,045, CA deleted; deleting any 2 consecutive bases within chr15:74,897,041-74,897,045 gives the same sequence; the c. name uses the placement nearest the transcript's 3' end. VCF-style (leftmost placement, unchanged base first): chr15-74897040-AAC-A. GRCh37 (hg19) VCF-style: chr15-75189381-AAC-A.
Other names: c.728_729del, p.Thr243fs (NM_001289156.2); c.695_696del, p.Thr232fs (NM_001289157.2); c.818_819del, p.Thr273fs (NM_001330372.2); c.845-468_845-467del (NM_001289155.2); short protein forms T232fs, T243fs, T273fs, T293fs.
Identifiers: ClinVar variation 4815045 (VCV004815045.1).
Genomic context (GRCh38, chr15:74,897,040, plus strand): 5'-TCAGCTTAGCACATGACGACTGTCTCTCCAGACTGCGTGGAGTGCATGGCGTGTTCAGAC[AAC>A]ACAGTTCGTGCTGGCCTGACACCCAAGTTCATTGATGTGCCAACCCTGTGTGAAATGCTC-3'